The following is an entry in ClinVar:

NC_012920.1(MT-ATP6):m.8641A>G

Gene: MT-ATP6 (mitochondrially encoded ATP synthase 6; plus strand).
Variant type: single nucleotide variant.
Genome position: chrM-8641-A-G.
Identifiers: ClinVar variation 692937 (VCV000692937.1), dbSNP rs1603221662, ClinGen allele CA414797121.
Genomic context (GRCh38, chrMT:8,641, plus strand): 5'-GCCGCAGTACTGATCATTCTATTTCCCCCTCTATTGATCCCCACCTCCAAATATCTCATC[A>G]ACAACCGACTAATCACCACCCAACAATGACTAATCAAACTAACCTCAAAACAAATGATAA-3'

ClinVar aggregate classification (germline): Uncertain significance (1 of 4 stars; one submission).

Conditions:
Leigh syndrome (NULS). Also called: Leigh's necrotizing encephalopathy; Leigh's disease; Leigh Syndrome (mtDNA deletion); Leigh Disease; Subacute necrotizing encephalopathy; Necrotizing encephalopathy infantile subacute of Leigh. Identifiers: Orphanet 506, MedGen C2931891, MONDO:0009723, OMIM 256000.

Submission:

Wong Mito Lab, Molecular and Human Genetics, Baylor College of Medicine
Classification: Uncertain significance for Leigh syndrome. Last evaluated: 2019-10-17. Review status: criteria provided, single submitter. Criteria: Modified ACMG Guidelines (Unpublished). Collection method: clinical testing. Allele origin: germline.
Comment: The NC_012920.1:m.8641A>G (YP_003024031.1:p.Asn39Asp) variant in MTATP6 gene is interpretated to be a Uncertain Significance variant based on the modified ACMG guidelines (unpublished). This variant meets the following evidence codes: PP4